The following is an entry in ClinVar:

ClinVar aggregate classification (germline): Uncertain significance (1 of 4 stars; one submission).

Submission:

Women's Health and Genetics/Laboratory Corporation of America, LabCorp
Classification: Uncertain significance. Last evaluated: 2023-04-04. Review status: criteria provided, single submitter. Criteria: LabCorp Variant Classification Summary - May 2015. Collection method: clinical testing. Allele origin: germline.
Comment: Variant summary: The variant identified by MLPA or other technology involves the deletion of exons 1-8 in the VWA3B gene, where exon 2 contains the initiation codon. A presumed nomenclature of c.(?_-265)_(1114+1_1115-1)del has been designated for the purposes of this classification. The variant allele was found at a frequency of 9.2e-05 in 21694 control chromosomes (gnomAD, Structural Variants dataset). The available data on variant occurrences in the general population are insufficient to allow any conclusion about variant significance. To our knowledge, no occurrence of c.(?_-265)_(1114+1_1115-1)del in individuals affected with Spinocerebellar Ataxia, Autosomal Recessive 22 and no experimental evidence demonstrating its impact on protein function have been reported. No clinical diagnostic laboratories have submitted clinical-significance assessments for this variant to ClinVar after 2014. Current clinical and genetic evidence do not allow for definitive conclusions whether LoF variants in VWA3B gene cause disease. Based on the evidence outlined above, the variant was classified as uncertain significance.

NC_000002.11:g.(?_98703594)_(98779440_98797478)del

Gene: VWA3B (von Willebrand factor A domain containing 3B; plus strand). Cytogenetic location: 2q11.2.
Variant type: Deletion.
Identifiers: ClinVar variation 2503857 (VCV002503857.1).